The following is an entry in ClinVar:

ClinVar aggregate classification (germline): Uncertain significance (1 of 4 stars; one submission).

gnomAD v4.1: 34 of 1,552,722 alleles (0.0022%); highest among the groups gnomAD compares: Non-Finnish European, 0.003%; no homozygotes.

Submission:

Labcorp Genetics (formerly Invitae), Labcorp
Classification: Uncertain significance. Last evaluated: 2023-02-27. Review status: criteria provided, single submitter. Criteria: Invitae Variant Classification Sherloc (09022015). Collection method: clinical testing. Allele origin: germline.
Comment: This variant is present in population databases (no rsID available, gnomAD 0.002%). In summary, the available evidence is currently insufficient to determine the role of this variant in disease. Therefore, it has been classified as a Variant of Uncertain Significance. Advanced modeling of protein sequence and biophysical properties (such as structural, functional, and spatial information, amino acid conservation, physicochemical variation, residue mobility, and thermodynamic stability) performed at Invitae indicates that this missense variant is not expected to disrupt GRIN2D protein function. This variant has not been reported in the literature in individuals affected with GRIN2D-related conditions. This sequence change replaces arginine, which is basic and polar, with glycine, which is neutral and non-polar, at codon 463 of the GRIN2D protein (p.Arg463Gly).

NM_000836.4(GRIN2D):c.1387C>G (p.Arg463Gly)

Gene: GRIN2D (glutamate ionotropic receptor NMDA type subunit 2D; plus strand). Cytogenetic location: 19q13.33.
Variant type: single nucleotide variant.
Coding change: c.1387C>G on transcript NM_000836.4 (MANE Select); coding-DNA position 1387, C replaced by G.
Protein change: p.Arg463Gly; replaces arginine 463 with glycine.
Molecular consequence: missense variant.
Genome position (GRCh38, 1-based): chr19:48,414,559, C>G. VCF-style: chr19-48414559-C-G. GRCh37 (hg19) VCF-style: chr19-48917816-C-G.
Other names: short protein forms R463G.
Identifiers: ClinVar variation 2975507 (VCV002975507.3), dbSNP rs1204764292, ClinGen allele CA406695473.
Genomic context (GRCh38, chr19:48,414,559, plus strand): 5'-GTCATCGTGGAGCCTGCAGACCCTATCAGCGGCACCTGCATCCGAGACTCCGTCCCCTGC[C>G]GGAGCCAGCTCAACCGAACCCACAGGTGACAGCTCGGGATCCAGGAGTTCCGGCTCCAAA-3'
Protein context (NP_000827.2, residues 453-473): GTCIRDSVPC[Arg463Gly]SQLNRTHSPP